The following is an entry in ClinVar:

NM_172364.5(CACNA2D4):c.715C>T (p.Gln239Ter)

Gene: CACNA2D4 (calcium voltage-gated channel auxiliary subunit alpha2delta 4; minus strand). Cytogenetic location: 12p13.33.
Variant type: single nucleotide variant.
Coding change: c.715C>T on transcript NM_172364.5 (MANE Select); coding-DNA position 715, C replaced by T.
Protein change: p.Gln239Ter; replaces glutamine 239 with a stop codon.
Molecular consequence: nonsense.
Genome position (GRCh38, 1-based): chr12:1,907,506, G>A on the plus strand (C>T on the coding strand, the complement: CACNA2D4 is on the minus strand). VCF-style: chr12-1907506-G-A. GRCh37 (hg19) VCF-style: chr12-2016672-G-A.
Other names: short protein forms Q239*.
Identifiers: ClinVar variation 1523267 (VCV001523267.7), dbSNP rs757247321, ClinGen allele CA6387432.

ClinVar aggregate classification (germline): Conflicting classifications of pathogenicity. Review status: criteria provided, conflicting classifications (1 of 4 stars). 2 submissions from 2 submitters: Likely pathogenic (1); Uncertain significance (1). Last evaluated 2024-12-18.

Conditions:
CACNA2D4-related disorder. Also called: CACNA2D4-related condition.

Allele frequency attached by ClinVar (database versions not stated): gnomAD 0.00001; gnomAD exomes 0.00002; ExAC 0.00003; TOPMed 0.00003.
gnomAD v4.1: 30 of 1,613,636 alleles (0.0019%); highest among the groups gnomAD compares: Admixed American, 0.005%; no homozygotes.

Submissions (2):

Labcorp Genetics (formerly Invitae), Labcorp
Classification: Uncertain significance. Last evaluated: 2024-12-18. Review status: criteria provided, single submitter. Criteria: Invitae Variant Classification Sherloc (09022015). Collection method: clinical testing. Allele origin: germline.
Comment: This sequence change creates a premature translational stop signal (p.Gln239*) in the CACNA2D4 gene. It is expected to result in an absent or disrupted protein product. However, the current clinical and genetic evidence is not sufficient to establish whether loss-of-function variants in CACNA2D4 cause disease. This variant is present in population databases (rs757247321, gnomAD 0.006%). This variant has not been reported in the literature in individuals affected with CACNA2D4-related conditions. ClinVar contains an entry for this variant (Variation ID: 1523267). Algorithms developed to predict the effect of sequence changes on RNA splicing suggest that this variant may disrupt the consensus splice site. In summary, the available evidence is currently insufficient to determine the role of this variant in disease. Therefore, it has been classified as a Variant of Uncertain Significance.

Blueprint Genetics
Classification: Likely pathogenic for CACNA2D4-related disorders. Last evaluated: 2022-11-04. Review status: criteria provided, single submitter. Criteria: ACMG Guidelines, 2015. Collection method: clinical testing. Allele origin: germline. Affected: yes. Observed: 4 variant alleles.